The following is an entry in ClinVar:

ClinVar aggregate classification (germline): Conflicting classifications of pathogenicity. Review status: criteria provided, conflicting classifications (1 of 4 stars). 2 submissions from 2 submitters: Uncertain significance (1); Likely benign (1). Last evaluated 2025-03-22.

Allele frequency attached by ClinVar (database versions not stated): 1000 Genomes Project 30x 0.00021; 1000 Genomes Project 0.00026; TOPMed 0.00038; gnomAD 0.00048; gnomAD exomes 0.00095.
gnomAD v4.1: 1,012 of 1,134,381 alleles (0.089%); highest among the groups gnomAD compares: Non-Finnish European, 0.11%; 1 homozygote.

Submissions (2):

Ambry Genetics
Classification: Uncertain significance. Last evaluated: 2025-03-22. Review status: criteria provided, single submitter. Criteria: Ambry Variant Classification Scheme 2023. Collection method: clinical testing. Allele origin: germline.

CeGaT Center for Human Genetics Tuebingen
Classification: Likely benign. Last evaluated: 2023-03-01. Review status: criteria provided, single submitter. Criteria: CeGaT Center For Human Genetics Tuebingen Variant Classification Criteria Version 2. Collection method: clinical testing. Allele origin: germline. Affected: yes. Observed: 1 variant allele.
Comment: PABIR3: BP4, BS2

NM_001388447.1(PABIR3):c.611A>G (p.Gln204Arg)

Gene: PABIR3 (PABIR family member 3; plus strand). Cytogenetic location: Xq26.3.
Variant type: single nucleotide variant.
Coding change: c.611A>G on transcript NM_001388447.1 (MANE Select); coding-DNA position 611, A replaced by G.
Protein change: p.Gln204Arg; replaces glutamine 204 with arginine.
Molecular consequence: missense variant. On other transcripts: non-coding transcript variant (2), intron variant (4).
Genome position (GRCh38, 1-based): chrX:134,852,821, A>G. VCF-style: chrX-134852821-A-G. GRCh37 (hg19) VCF-style: chrX-133986851-A-G.
Other names: c.367A>G, p.Asn123Asp (NM_001170779.3, NM_001388440.1); c.608A>G, p.Gln203Arg (NM_001388448.1); c.380+5404A>G (NM_001388449.1); c.528-1270A>G (NM_001365748.2); c.439-1270A>G (NM_138819.5); c.346-1270A>G (NM_001365745.2); short protein forms Q203R, Q204R, N123D.
Identifiers: ClinVar variation 2457480 (VCV002457480.26), dbSNP rs201136667, ClinGen allele CA336060874.